The following is an entry in ClinVar:

ClinVar aggregate classification (germline): Uncertain significance (1 of 4 stars; one submission).

Conditions:
Ehlers-Danlos syndrome, classic type, 1 (EDSCL1). Also called: EDS I; Ehlers-Danlos syndrome, type 1; EHLERS-DANLOS SYNDROME, GRAVIS TYPE; EHLERS-DANLOS SYNDROME, SEVERE CLASSIC TYPE; Ehlers-Danlos Syndrome, Classic Type, COL5A1-Related. Identifiers: MedGen C0268335, MONDO:0019567, OMIM 130000.

Submission:

MGZ Medical Genetics Center
Classification: Uncertain significance for Ehlers-Danlos syndrome, classic type, 1. Last evaluated: 2022-04-08. Review status: criteria provided, single submitter. Criteria: ACMG Guidelines, 2015. Collection method: clinical testing. Allele origin: germline. Affected: yes. Observed: 1 variant allele.
Comment: ACMG criteria applied: PM1, PM2_SUP, PP3

NM_000093.5(COL5A1):c.1522G>A (p.Gly508Arg)

Gene: COL5A1 (collagen type V alpha 1 chain; plus strand). Cytogenetic location: 9q34.3.
Variant type: single nucleotide variant.
Coding change: c.1522G>A on transcript NM_000093.5 (MANE Select); coding-DNA position 1522, G replaced by A.
Protein change: p.Gly508Arg; replaces glycine 508 with arginine.
Molecular consequence: missense variant.
Genome position (GRCh38, 1-based): chr9:134,750,569, G>A. VCF-style: chr9-134750569-G-A. GRCh37 (hg19) VCF-style: chr9-137642415-G-A.
Other names: c.1522G>A, p.Gly508Arg (NM_001278074.1); short protein forms G508R.
Identifiers: ClinVar variation 1709421 (VCV001709421.2), dbSNP rs2490586637, ClinGen allele CA375443613.
Genomic context (GRCh38, chr9:134,750,569, plus strand): 5'-TCTGACTTGTCTCTCTTGGCCCCTTGTCTTCAGGGCCCCCCTGGACGCCCAGGCCTTCCT[G>A]GGGCCGATGGCCTGCCCGGTCCTCCAGGAACCATGCTCATGCTGCCCGTGAGTACCCTTA-3'
Protein context (NP_000084.3, residues 498-518): RGPPGRPGLP[Gly508Arg]ADGLPGPPGT